The following is an entry in ClinVar:

ClinVar aggregate classification (germline): Uncertain significance (1 of 4 stars; one submission).

Submission:

GeneDx
Classification: Uncertain significance. Last evaluated: 2024-06-26. Review status: criteria provided, single submitter. Criteria: GeneDx Variant Classification Process June 2021. Collection method: clinical testing. Allele origin: germline. Affected: yes.
Comment: Not observed at significant frequency in large population cohorts (gnomAD); In silico analysis supports that this missense variant has a deleterious effect on protein structure/function; Has not been previously published as pathogenic or benign to our knowledge; This variant is associated with the following publications: (PMID: 27311832)

NM_004380.3(CREBBP):c.5296G>C (p.Glu1766Gln)

Gene: CREBBP (CREB binding protein; minus strand). Cytogenetic location: 16p13.3.
Variant type: single nucleotide variant.
Coding change: c.5296G>C on transcript NM_004380.3 (MANE Select); coding-DNA position 5296, G replaced by C.
Protein change: p.Glu1766Gln; replaces glutamic acid 1766 with glutamine.
Molecular consequence: missense variant.
Genome position (GRCh38, 1-based): chr16:3,729,751, C>G on the plus strand (G>C on the coding strand, the complement: CREBBP is on the minus strand). VCF-style: chr16-3729751-C-G. GRCh37 (hg19) VCF-style: chr16-3779752-C-G.
Other names: c.5182G>C, p.Glu1728Gln (NM_001079846.1); short protein forms E1728Q, E1766Q.
Identifiers: ClinVar variation 3392822 (VCV003392822.1).